The following is an entry in ClinVar:

NM_000370.3(TTPA):c.372del (p.Val126fs)

Gene: TTPA (alpha tocopherol transfer protein; minus strand). Cytogenetic location: 8q12.3.
Variant type: Deletion.
Coding change: c.372del on transcript NM_000370.3 (MANE Select); coding-DNA position 372, one base deleted (C; older notation c.372delC).
Protein change: p.Val126fs; shifts the reading frame from valine 126.
Molecular consequence: frameshift variant. On other transcripts: non-coding transcript variant (2), intron variant (3).
Genome position (GRCh38, 1-based): chr8:63,066,084, G deleted on the plus strand (C on the coding strand, the reverse complement: TTPA is on the minus strand); the first of 4 consecutive G bases (chr8:63,066,084-63,066,087); deleting any one gives the same sequence. VCF-style (leftmost placement, unchanged base first): chr8-63066083-TG-T. GRCh37 (hg19) VCF-style: chr8-63978642-TG-T.
Other names: c.372del, p.Val126fs (NM_001413416.1); c.489del, p.Val165fs (NM_001413418.1); c.205-4659del (NM_001413417.1); c.205-1768del (NM_001413414.1); c.359-4659del (NM_001413415.1); short protein forms V126fs, V165fs.
Identifiers: ClinVar variation 2873865 (VCV002873865.3), dbSNP rs2487147973, ClinGen allele CA2579176129.

ClinVar aggregate classification (germline): Pathogenic (1 of 4 stars; one submission).

Submission:

Labcorp Genetics (formerly Invitae), Labcorp
Classification: Pathogenic. Last evaluated: 2023-12-28. Review status: criteria provided, single submitter. Criteria: Invitae Variant Classification Sherloc (09022015). Collection method: clinical testing. Allele origin: germline.
Comment: This sequence change creates a premature translational stop signal (p.Val126Phefs*10) in the TTPA gene. It is expected to result in an absent or disrupted protein product. Loss-of-function variants in TTPA are known to be pathogenic (PMID: 9463307, 26068213). This variant is not present in population databases (gnomAD no frequency). This variant has not been reported in the literature in individuals affected with TTPA-related conditions. For these reasons, this variant has been classified as Pathogenic.

Literature cited by the submitters: PubMed 9463307; PubMed 26068213.